The following is an entry in ClinVar:

ClinVar aggregate classification (germline): Pathogenic (1 of 4 stars; one submission).

Conditions:
Joubert syndrome 18 (JBTS18). Identifiers: Orphanet 2754, MedGen C3553758, MONDO:0013896, OMIM 614815.
Orofacial-digital syndrome IV (OFD4). Also called: BARAITSER-BURN SYNDROME; OFD SYNDROME WITH TIBIAL DEFECTS; OFD SYNDROME, BARAITSER-BURN TYPE; OFDS IV; ORAL-FACIAL-DIGITAL SYNDROME, TYPE IV; MOHR-MAJEWSKI SYNDROME. Identifiers: Orphanet 2753, MedGen C0406727, MONDO:0009794, OMIM 258860.

gnomAD v4.1: 1 of 1,614,046 alleles (0.000062%); highest among the groups gnomAD compares: Non-Finnish European, 0.000085%; no homozygotes.

Submission:

Labcorp Genetics (formerly Invitae), Labcorp
Classification: Pathogenic for Joubert syndrome 18; Orofacial-digital syndrome IV. Last evaluated: 2025-09-14. Review status: criteria provided, single submitter. Criteria: Invitae Variant Classification Sherloc (09022015). Collection method: clinical testing. Allele origin: germline.
Comment: This sequence change creates a premature translational stop signal (p.Trp221*) in the TCTN3 gene. It is expected to result in an absent or disrupted protein product. Loss-of-function variants in TCTN3 are known to be pathogenic (PMID: 2692869, 22883145, 25118024). This variant is not present in population databases (gnomAD no frequency). This variant has not been reported in the literature in individuals affected with TCTN3-related conditions. Algorithms developed to predict the effect of sequence changes on RNA splicing suggest that this variant may disrupt the consensus splice site. For these reasons, this variant has been classified as Pathogenic.

Literature cited by the submitters: PubMed 2692869; PubMed 22883145; PubMed 25118024.

NM_015631.6(TCTN3):c.662G>A (p.Trp221Ter)

Gene: TCTN3 (tectonic family member 3; minus strand). Cytogenetic location: 10q24.1.
Variant type: single nucleotide variant.
Coding change: c.662G>A on transcript NM_015631.6 (MANE Select); coding-DNA position 662, G replaced by A.
Protein change: p.Trp221Ter; replaces tryptophan 221 with a stop codon.
Molecular consequence: nonsense. On other transcripts: intron variant (1).
Genome position (GRCh38, 1-based): chr10:95,687,321, C>T on the plus strand (G>A on the coding strand, the complement: TCTN3 is on the minus strand). VCF-style: chr10-95687321-C-T. GRCh37 (hg19) VCF-style: chr10-97447078-C-T.
Other names: c.662G>A, p.Trp221Ter (NM_001410982.1); c.500-162G>A (NM_001143973.2); short protein forms W221*.
Identifiers: ClinVar variation 4792576 (VCV004792576.1).
Genomic context (GRCh38, chr10:95,687,321, plus strand): 5'-TCAGCACAGAGTCCCCCAGCTCCAACTCCTGCAGGTTGTCTCAGCAAGCTTATTACAGAC[C>T]ACTTGGGGAAGTAAGTAAGAATGGGGTCCCCAGCCTGAATAAAATATAAAAGAAACTTTG-3'